The following is an entry in ClinVar:

NM_203408.4(FAM47A):c.377T>C (p.Met126Thr)

Gene: FAM47A (family with sequence similarity 47 member A; minus strand). Cytogenetic location: Xp21.1.
Variant type: single nucleotide variant.
Coding change: c.377T>C on transcript NM_203408.4 (MANE Select); coding-DNA position 377, T replaced by C.
Protein change: p.Met126Thr; replaces methionine 126 with threonine.
Molecular consequence: missense variant.
Genome position (GRCh38, 1-based): chrX:34,131,902, A>G on the plus strand (T>C on the coding strand, the complement: FAM47A is on the minus strand). VCF-style: chrX-34131902-A-G. GRCh37 (hg19) VCF-style: chrX-34150019-A-G.
Other names: short protein forms M126T.
Identifiers: ClinVar variation 787517 (VCV000787517.6), dbSNP rs111534710, ClinGen allele CA10380668.

ClinVar aggregate classification (germline): Benign. Review status: criteria provided, multiple submitters, no conflicts (2 of 4 stars). 3 submissions from 3 submitters: Benign (2). 1 of the submissions does not count toward it. Last evaluated 2018-02-25.

Conditions:
FAM47A-related disorder. Also called: FAM47A-related condition.

Allele frequency attached by ClinVar (database versions not stated): gnomAD exomes 0.00112 and 0.00317; ExAC 0.00406; 1000 Genomes Project 0.01007; gnomAD 0.01119 and 0.01179; 1000 Genomes Project 30x 0.01145; TOPMed 0.01296; ESP Exome Variant Server 0.01543.

Submissions (3):

Labcorp Genetics (formerly Invitae), Labcorp
Classification: Benign. Last evaluated: 2018-02-25. Review status: criteria provided, single submitter. Criteria: Invitae Variant Classification Sherloc (09022015). Collection method: clinical testing. Allele origin: germline.

Breakthrough Genomics
Classification: Benign. Review status: criteria provided, single submitter. Criteria: ACMG Guidelines, 2015. Collection method: not provided. Allele origin: germline. Inheritance: Unknown mechanism. Affected: yes.

PreventionGenetics, part of Exact Sciences
Classification: Benign for FAM47A-related condition. Last evaluated: 2019-03-20. Review status: no assertion criteria provided. Collection method: clinical testing. Allele origin: germline. Not counted in ClinVar's aggregate classification.
Comment: This variant is classified as benign based on ACMG/AMP sequence variant interpretation guidelines (Richards et al. 2015 PMID: 25741868, with internal and published modifications).